The following is an entry in ClinVar:

ClinVar aggregate classification (germline): Likely benign (0 of 4 stars; one submission).

Conditions:
ALOXE3-related disorder. Also called: ALOXE3-related condition.

Allele frequency attached by ClinVar (database versions not stated): gnomAD 0.00001.
gnomAD v4.1: 2 of 1,612,862 alleles (0.00012%); highest among the groups gnomAD compares: Admixed American, 0.0017%; no homozygotes.

Submission:

PreventionGenetics, part of Exact Sciences
Classification: Likely benign for ALOXE3-related condition. Last evaluated: 2023-04-10. Review status: no assertion criteria provided. Collection method: clinical testing. Allele origin: germline.
Comment: This variant is classified as likely benign based on ACMG/AMP sequence variant interpretation guidelines (Richards et al. 2015 PMID: 25741868, with internal and published modifications).

NM_021628.3(ALOXE3):c.148-5C>T

Gene: ALOXE3 (arachidonate epidermal lipoxygenase 3; minus strand). Cytogenetic location: 17p13.1.
Variant type: single nucleotide variant.
Coding change: c.148-5C>T on transcript NM_021628.3 (MANE Select); 5 bases into the intron before coding-DNA position 148, C replaced by T.
Molecular consequence: intron variant.
Genome position (GRCh38, 1-based): chr17:8,116,985, G>A on the plus strand (C>T on the coding strand, the complement: ALOXE3 is on the minus strand). VCF-style: chr17-8116985-G-A. GRCh37 (hg19) VCF-style: chr17-8020303-G-A.
Other names: c.544-5C>T (NM_001165960.1); c.148-5C>T (NM_001369446.1).
Identifiers: ClinVar variation 3050848 (VCV003050848.2), dbSNP rs1980656007, ClinGen allele CA981240402.
Genomic context (GRCh38, chr17:8,116,985, plus strand): 5'-CGCAGCAGCAAGAGCTCACCCAGCTCCGCTGTGCAACGCACCTTGTACTTCTGTACCTGA[G>A]GGGACCAAGACAGCAAGCAGGTGAGAGGCGGGGAACTGCCAAGGCGGTCCTTGCGCCTTG-3'